The following is an entry in ClinVar:

NM_020549.5(CHAT):c.84G>T (p.Arg28Ser)

Gene: CHAT (choline O-acetyltransferase; plus strand). Cytogenetic location: 10q11.23.
Variant type: single nucleotide variant.
Coding change: c.84G>T on transcript NM_020549.5 (MANE Select); coding-DNA position 84, G replaced by T.
Protein change: p.Arg28Ser; replaces arginine 28 with serine.
Molecular consequence: missense variant. On other transcripts: 5 prime UTR variant (3), intron variant (3).
Genome position (GRCh38, 1-based): chr10:49,614,273, G>T. VCF-style: chr10-49614273-G-T. GRCh37 (hg19) VCF-style: chr10-50822319-G-T.
Other names: c.84G>T (NM_020549.4); c.-271G>T (NM_001142929.2); c.-233G>T (NM_001142933.2); c.-341G>T (NM_001142934.2); c.-68-2229G>T (NM_020984.4); c.-240-31G>T (NM_020985.4); c.-69+1071G>T (NM_020986.4); short protein forms R28S.
Identifiers: ClinVar variation 1449205 (VCV001449205.6), dbSNP rs745753124, ClinGen allele CA5497023.

ClinVar aggregate classification (germline): Uncertain significance. Review status: criteria provided, multiple submitters, no conflicts (2 of 4 stars). 2 submissions from 2 submitters: Uncertain significance (2). Last evaluated 2022-11-17.

Conditions:
Inborn genetic diseases. Identifiers: MedGen C0950123, MeSH D030342.
Familial infantile myasthenia (CMS6). Also called: MYASTHENIC SYNDROME, CONGENITAL, 6, PRESYNAPTIC; MYASTHENIC SYNDROME, PRESYNAPTIC, CONGENITAL, ASSOCIATED WITH EPISODIC APNEA; Congenital myasthenic syndrome type 6. Identifiers: Orphanet 590, MedGen C0393929, MONDO:0009689, OMIM 254210.

Allele frequency attached by ClinVar (database versions not stated): TOPMed below 0.00001; gnomAD 0.00001.

Submissions (2):

Ambry Genetics
Classification: Uncertain significance for Inborn genetic diseases. Last evaluated: 2022-11-17. Review status: criteria provided, single submitter. Criteria: Ambry Variant Classification Scheme 2023. Collection method: clinical testing. Allele origin: germline.

Labcorp Genetics (formerly Invitae), Labcorp
Classification: Uncertain significance for Familial infantile myasthenia. Last evaluated: 2022-08-03. Review status: criteria provided, single submitter. Criteria: Invitae Variant Classification Sherloc (09022015). Collection method: clinical testing. Allele origin: germline.
Comment: This sequence change replaces arginine, which is basic and polar, with serine, which is neutral and polar, at codon 28 of the CHAT protein (p.Arg28Ser). This variant is not present in population databases (gnomAD no frequency). This variant has not been reported in the literature in individuals affected with CHAT-related conditions. ClinVar contains an entry for this variant (Variation ID: 1449205). Advanced modeling of protein sequence and biophysical properties (such as structural, functional, and spatial information, amino acid conservation, physicochemical variation, residue mobility, and thermodynamic stability) performed at Invitae indicates that this missense variant is not expected to disrupt CHAT protein function. In summary, the available evidence is currently insufficient to determine the role of this variant in disease. Therefore, it has been classified as a Variant of Uncertain Significance.